The following is an entry in ClinVar:

ClinVar aggregate classification (germline): Uncertain significance (1 of 4 stars; one submission).

Conditions:
Sulfite oxidase deficiency due to molybdenum cofactor deficiency type C. Also called: Molybdenum cofactor deficiency, complementation group C; Molybdenum cofactor deficiency C. Identifiers: Orphanet 308400, Orphanet 833, MedGen C1854990, MONDO:0014212, OMIM 615501.

Allele frequency attached by ClinVar (database versions not stated): TOPMed 0.00001; gnomAD 0.00001; gnomAD exomes 0.00001; ExAC 0.00002.
gnomAD v4.1: 14 of 1,613,368 alleles (0.00087%); highest among the groups gnomAD compares: East Asian, 0.016%; no homozygotes.

Submission:

Labcorp Genetics (formerly Invitae), Labcorp
Classification: Uncertain significance for Sulfite oxidase deficiency due to molybdenum cofactor deficiency type C. Last evaluated: 2022-10-12. Review status: criteria provided, single submitter. Criteria: Invitae Variant Classification Sherloc (09022015). Collection method: clinical testing. Allele origin: germline.
Comment: In summary, the available evidence is currently insufficient to determine the role of this variant in disease. Therefore, it has been classified as a Variant of Uncertain Significance. Advanced modeling of protein sequence and biophysical properties (such as structural, functional, and spatial information, amino acid conservation, physicochemical variation, residue mobility, and thermodynamic stability) performed at Invitae indicates that this missense variant is not expected to disrupt GPHN protein function. This variant has not been reported in the literature in individuals affected with GPHN-related conditions. This variant is present in population databases (rs768588294, gnomAD 0.02%). This sequence change replaces proline, which is neutral and non-polar, with threonine, which is neutral and polar, at codon 196 of the GPHN protein (p.Pro196Thr).

NM_020806.5(GPHN):c.586C>A (p.Pro196Thr)

Gene: GPHN (gephyrin; plus strand). Cytogenetic location: 14q23.3.
Variant type: single nucleotide variant.
Coding change: c.586C>A on transcript NM_020806.5 (MANE Select); coding-DNA position 586, C replaced by A.
Protein change: p.Pro196Thr; replaces proline 196 with threonine.
Molecular consequence: missense variant.
Genome position (GRCh38, 1-based): chr14:66,922,795, C>A. VCF-style: chr14-66922795-C-A. GRCh37 (hg19) VCF-style: chr14-67389512-C-A.
Other names: c.586C>A, p.Pro196Thr (NM_001024218.2, NM_001377515.1, NM_001377516.1 and 2 more transcripts); c.625C>A, p.Pro209Thr (NM_001377514.1, NM_001377519.1); short protein forms P196T, P209T.
Identifiers: ClinVar variation 2067183 (VCV002067183.4), dbSNP rs768588294, ClinGen allele CA7233787.
Genomic context (GRCh38, chr14:66,922,795, plus strand): 5'-GTAAAGGAGGTGCATGATGAACTTGAAGATTTGCCTTCCCCACCTCCCCCTCTTTCCCCT[C>A]CTCCTACTACCAGCCCCCATAAACAGACAGAAGACAAAGGAGTTCAATGTGAGGAAGAGG-3'
Protein context (NP_065857.1, residues 186-206): LPSPPPPLSP[Pro196Thr]PTTSPHKQTE